The following is an entry in ClinVar:

ClinVar aggregate classification (germline): Uncertain significance (1 of 4 stars; one submission).

Submission:

CeGaT Center for Human Genetics Tuebingen
Classification: Uncertain significance. Last evaluated: 2026-08-01. Review status: criteria provided, single submitter. Criteria: CeGaT Center For Human Genetics Tuebingen Variant Classification Criteria Version 2. Collection method: clinical testing. Allele origin: germline. Affected: yes. Observed: 1 variant allele.
Comment: TAF4: PM2

NM_003185.4(TAF4):c.762_779del (p.Ser256_Pro261del)

Gene: TAF4 (TATA-box binding protein associated factor 4; minus strand). Cytogenetic location: 20q13.33.
Variant type: Deletion.
Coding change: c.762_779del on transcript NM_003185.4 (MANE Select); coding-DNA positions 762 to 779, 18 bases deleted (GCCCTCGCCCCCCGCCGC).
Protein change: p.Ser256_Pro261del.
Genome position (GRCh38, 1-based): chr20:62,065,032-62,065,049, GCGGCGGGGGGCGAGGGC deleted on the plus strand (GCCCTCGCCCCCCGCCGC on the coding strand, the reverse complement: TAF4 is on the minus strand); deleting any 18 consecutive bases within chr20:62,065,032-62,065,057 gives the same sequence; the c. name uses the placement nearest the transcript's 3' end. VCF-style (leftmost placement, unchanged base first): chr20-62065031-GGCGGCGGGGGGCGAGGGC-G. GRCh37 (hg19) VCF-style: chr20-60640087-GGCGGCGGGGGGCGAGGGC-G.
Identifiers: ClinVar variation 5040424 (VCV005040424.1).